The following is an entry in ClinVar:

ClinVar aggregate classification (germline): Benign. Review status: criteria provided, multiple submitters, no conflicts (2 of 4 stars). 3 submissions from 3 submitters: Benign (2). 1 of the submissions does not count toward it. Last evaluated 2019-12-31.

Conditions:
NCAPG2-related disorder. Also called: NCAPG2-related condition.

Allele frequency attached by ClinVar (database versions not stated): gnomAD exomes 0.00077 and 0.00204; gnomAD 0.00859 and 0.00917; 1000 Genomes Project 0.01038; TOPMed 0.00924; ExAC 0.00247; ESP Exome Variant Server 0.00828; 1000 Genomes Project 30x 0.01015.
gnomAD v4.1: 2,476 of 1,589,014 alleles (0.16%); highest among the groups gnomAD compares: African/African-American, 2.9%; 35 homozygotes.

Submissions (3):

Labcorp Genetics (formerly Invitae), Labcorp
Classification: Benign. Last evaluated: 2019-12-31. Review status: criteria provided, single submitter. Criteria: Invitae Variant Classification Sherloc (09022015). Collection method: clinical testing. Allele origin: germline.

Breakthrough Genomics
Classification: Benign. Review status: criteria provided, single submitter. Criteria: ACMG Guidelines, 2015. Collection method: not provided. Allele origin: germline. Inheritance: Autosomal recessive inheritance. Affected: yes.

PreventionGenetics, part of Exact Sciences
Classification: Benign for NCAPG2-related condition. Last evaluated: 2019-06-11. Review status: no assertion criteria provided. Collection method: clinical testing. Allele origin: germline. Not counted in ClinVar's aggregate classification.
Comment: This variant is classified as benign based on ACMG/AMP sequence variant interpretation guidelines (Richards et al. 2015 PMID: 25741868, with internal and published modifications).

NM_017760.7(NCAPG2):c.1840A>G (p.Asn614Asp)

Gene: NCAPG2 (non-SMC condensin II complex subunit G2; minus strand). Cytogenetic location: 7q36.3.
Variant type: single nucleotide variant.
Coding change: c.1840A>G on transcript NM_017760.7 (MANE Select); coding-DNA position 1840, A replaced by G.
Protein change: p.Asn614Asp; replaces asparagine 614 with aspartic acid.
Molecular consequence: missense variant. On other transcripts: non-coding transcript variant (1).
Genome position (GRCh38, 1-based): chr7:158,662,343, T>C on the plus strand (A>G on the coding strand, the complement: NCAPG2 is on the minus strand). VCF-style: chr7-158662343-T-C. GRCh37 (hg19) VCF-style: chr7-158455035-T-C.
Other names: c.1840A>G, p.Asn614Asp (NM_001281932.2, NM_001281933.2); short protein forms N614D.
Identifiers: ClinVar variation 782502 (VCV000782502.7), dbSNP rs61740623, ClinGen allele CA4592722.